The following is an entry in ClinVar:

ClinVar aggregate classification (germline): Uncertain significance. Review status: criteria provided, multiple submitters, no conflicts (2 of 4 stars). 3 submissions from 3 submitters: Uncertain significance (3). Last evaluated 2025-11-18.

Conditions:
Inborn genetic diseases. Identifiers: MedGen C0950123, MeSH D030342.
Combined immunodeficiency due to LRBA deficiency. Also called: Common variable immunodeficiency 8, with autoimmunity. Identifiers: Orphanet 445018, MedGen C3553512, MONDO:0013863, OMIM 614700.
LRBA-related disorder. Also called: LRBA-related condition.

Allele frequency attached by ClinVar (database versions not stated): gnomAD exomes 0.00002 and 0.00004; ExAC 0.00007; ESP Exome Variant Server 0.00015; gnomAD 0.00019 and 0.00023; TOPMed 0.00025; 1000 Genomes Project 0.00040; 1000 Genomes Project 30x 0.00047.
gnomAD v4.1: 54 of 1,612,706 alleles (0.0033%); highest among the groups gnomAD compares: African/African-American, 0.067%; no homozygotes.

Submissions (3):

PreventionGenetics, part of Exact Sciences
Classification: Uncertain significance for LRBA-related condition. Last evaluated: 2025-11-18. Review status: criteria provided, single submitter. Criteria: ACMG Guidelines, 2015. Collection method: clinical testing. Allele origin: germline.
Comment: The LRBA c.2319G>A variant is predicted to result in the amino acid substitution p.Met773Ile. To our knowledge, this variant has not been reported in the literature. This variant is reported in 0.060% of alleles in individuals of African descent in gnomAD. At this time, the clinical significance of this variant is uncertain due to the absence of conclusive functional and genetic evidence.

Ambry Genetics
Classification: Uncertain significance for Inborn genetic diseases. Last evaluated: 2025-02-01. Review status: criteria provided, single submitter. Criteria: Ambry Variant Classification Scheme 2023. Collection method: clinical testing. Allele origin: germline.

Labcorp Genetics (formerly Invitae), Labcorp
Classification: Uncertain significance for Combined immunodeficiency due to LRBA deficiency. Last evaluated: 2022-09-01. Review status: criteria provided, single submitter. Criteria: Invitae Variant Classification Sherloc (09022015). Collection method: clinical testing. Allele origin: germline.
Comment: This sequence change replaces methionine, which is neutral and non-polar, with isoleucine, which is neutral and non-polar, at codon 773 of the LRBA protein (p.Met773Ile). This variant is present in population databases (rs143024610, gnomAD 0.06%). This variant has not been reported in the literature in individuals affected with LRBA-related conditions. ClinVar contains an entry for this variant (Variation ID: 863236). Algorithms developed to predict the effect of missense changes on protein structure and function (SIFT, PolyPhen-2, Align-GVGD) all suggest that this variant is likely to be tolerated. In summary, the available evidence is currently insufficient to determine the role of this variant in disease. Therefore, it has been classified as a Variant of Uncertain Significance.

NM_001364905.1(LRBA):c.2319G>A (p.Met773Ile)

Gene: LRBA (LPS responsive beige-like anchor protein; minus strand). Cytogenetic location: 4q31.3.
Variant type: single nucleotide variant.
Coding change: c.2319G>A on transcript NM_001364905.1 (MANE Select); coding-DNA position 2319, G replaced by A.
Protein change: p.Met773Ile; replaces methionine 773 with isoleucine.
Molecular consequence: missense variant.
Genome position (GRCh38, 1-based): chr4:150,871,393, C>T on the plus strand (G>A on the coding strand, the complement: LRBA is on the minus strand). VCF-style: chr4-150871393-C-T. GRCh37 (hg19) VCF-style: chr4-151792545-C-T.
Other names: c.2319G>A, p.Met773Ile (NM_001199282.3, NM_001367550.1, NM_006726.5); short protein forms M773I.
Identifiers: ClinVar variation 863236 (VCV000863236.6), dbSNP rs143024610, ClinGen allele CA3103299.